The following is an entry in ClinVar:

NM_016097.5(IER3IP1):c.170G>A (p.Arg57Gln)

Gene: IER3IP1 (immediate early response 3 interacting protein 1; minus strand). Cytogenetic location: 18q21.1.
Variant type: single nucleotide variant.
Coding change: c.170G>A on transcript NM_016097.5 (MANE Select); coding-DNA position 170, G replaced by A.
Protein change: p.Arg57Gln; replaces arginine 57 with glutamine.
Molecular consequence: missense variant.
Genome position (GRCh38, 1-based): chr18:47,157,459, C>T on the plus strand (G>A on the coding strand, the complement: IER3IP1 is on the minus strand). VCF-style: chr18-47157459-C-T. GRCh37 (hg19) VCF-style: chr18-44683830-C-T.
Other names: p.Arg57Gln; short protein forms R57Q.
Identifiers: ClinVar variation 211178 (VCV000211178.26), dbSNP rs149009126, ClinGen allele CA209365.
Genomic context (GRCh38, chr18:47,157,459, plus strand): 5'-TAAAACTTAAGAATGCTCTATTAGCTTTTCTTCTTACCTCTCATCACGGTTCTTACAGAT[C>T]GAATAAGGTTCATTAGCTGTGATTTAATTCCCGGCTCTTCTCCAAATCCACCAATTCCCT-3'
Protein context (NP_057181.1, residues 47-67): GIKSQLMNLI[Arg57Gln]SVRTVMRVPL

ClinVar aggregate classification (germline): Conflicting classifications of pathogenicity. Review status: criteria provided, conflicting classifications (1 of 4 stars). 6 submissions from 6 submitters: Uncertain significance (4); Likely benign (1). 1 of the submissions does not count toward it. Last evaluated 2026-02-03.

Conditions:
Microcephaly, epilepsy, and diabetes syndrome. Identifiers: Orphanet 306558, MedGen C3280240, MONDO:0100328.
IER3IP1-related disorder. Also called: IER3IP1-related condition.

Allele frequency attached by ClinVar (database versions not stated): 1000 Genomes Project 0.00200; TOPMed 0.00237; ESP Exome Variant Server 0.00238; 1000 Genomes Project 30x 0.00265.

Submissions (6):

Labcorp Genetics (formerly Invitae), Labcorp
Classification: Likely benign for Microcephaly, epilepsy, and diabetes syndrome. Last evaluated: 2026-02-03. Review status: criteria provided, single submitter. Criteria: Invitae Variant Classification Sherloc (09022015). Collection method: clinical testing. Allele origin: germline.

Mayo Clinic Laboratories, Mayo Clinic
Classification: Uncertain significance. Last evaluated: 2021-08-12. Review status: criteria provided, single submitter. Criteria: ACMG Guidelines, 2015. Collection method: clinical testing. Allele origin: germline.

GeneDx
Classification: Uncertain significance. Last evaluated: 2021-07-08. Review status: criteria provided, single submitter. Criteria: GeneDx Variant Classification Process June 2021. Collection method: clinical testing. Allele origin: germline. Affected: yes.
Comment: In silico analysis, which includes protein predictors and evolutionary conservation, supports a deleterious effect; Has not been previously published as pathogenic or benign to our knowledge; This variant is associated with the following publications: (PMID: 27535533)

Center for Pediatric Genomic Medicine, Children's Mercy Hospital and Clinics
Classification: Uncertain significance. Last evaluated: 2016-01-11. Review status: criteria provided, single submitter. Criteria: ACMG Guidelines, 2015. Collection method: clinical testing. Allele origin: germline.
ClinVar note: Converted during submission from Uncertain Significance to Uncertain significance.

Genetic Services Laboratory, University of Chicago
Classification: Uncertain significance. Last evaluated: 2015-07-24. Review status: criteria provided, single submitter. Criteria: ACMG Guidelines, 2015. Collection method: clinical testing. Allele origin: germline.

PreventionGenetics, part of Exact Sciences
Classification: Benign for IER3IP1-related condition. Last evaluated: 2024-02-21. Review status: no assertion criteria provided. Collection method: clinical testing. Allele origin: germline. Not counted in ClinVar's aggregate classification.
Comment: This variant is classified as benign based on ACMG/AMP sequence variant interpretation guidelines (Richards et al. 2015 PMID: 25741868, with internal and published modifications).